The following is an entry in ClinVar:

ClinVar aggregate classification (germline): Uncertain significance (1 of 4 stars; one submission).

gnomAD v4.1: 4 of 1,608,910 alleles (0.00025%); highest among the groups gnomAD compares: Middle Eastern, 0.017%; no homozygotes.

Submission:

GeneDx
Classification: Uncertain significance. Last evaluated: 2023-04-02. Review status: criteria provided, single submitter. Criteria: GeneDx Variant Classification Process June 2021. Collection method: clinical testing. Allele origin: germline. Affected: yes.
Comment: Not observed at significant frequency in large population cohorts (gnomAD); In silico analysis supports that this missense variant does not alter protein structure/function; Has not been previously published as pathogenic or benign to our knowledge

NM_001386298.1(CIC):c.5089G>A (p.Gly1697Ser)

Gene: CIC (capicua transcriptional repressor; plus strand). Cytogenetic location: 19q13.2.
Variant type: single nucleotide variant.
Coding change: c.5089G>A on transcript NM_001386298.1 (MANE Select); coding-DNA position 5089, G replaced by A.
Protein change: p.Gly1697Ser; replaces glycine 1697 with serine.
Molecular consequence: missense variant.
Genome position (GRCh38, 1-based): chr19:42,291,130, G>A. VCF-style: chr19-42291130-G-A. GRCh37 (hg19) VCF-style: chr19-42795282-G-A.
Other names: c.5089G>A, p.Gly1697Ser (NM_001304815.2, NM_001379480.1, NM_001379482.1 and 1 more transcripts); c.2362G>A, p.Gly788Ser (NM_001379484.1, NM_001379485.1, NM_015125.5); short protein forms G1697S, G788S.
Identifiers: ClinVar variation 2582202 (VCV002582202.1), dbSNP rs770192319, ClinGen allele CA406110755.